The following is an entry in ClinVar:

NM_000026.4(ADSL):c.1354C>G (p.Arg452Gly)

Gene: ADSL (adenylosuccinate lyase; plus strand). Cytogenetic location: 22q13.1.
Variant type: single nucleotide variant.
Coding change: c.1354C>G on transcript NM_000026.4 (MANE Select); coding-DNA position 1354, C replaced by G.
Protein change: p.Arg452Gly; replaces arginine 452 with glycine.
Molecular consequence: missense variant. On other transcripts: non-coding transcript variant (1), intron variant (1).
Genome position (GRCh38, 1-based): chr22:40,365,042, C>G. VCF-style: chr22-40365042-C-G. GRCh37 (hg19) VCF-style: chr22-40761046-C-G.
Other names: c.1162C>G, p.Arg388Gly (NM_001317923.2); c.1354C>G, p.Arg452Gly (NM_001363840.3, NM_001410812.1); c.1309C>G, p.Arg437Gly (NM_001410814.1); c.1191+677C>G (NM_001123378.3); short protein forms R452G, R388G, R437G.
Identifiers: ClinVar variation 2086298 (VCV002086298.5), dbSNP rs572438339, ClinGen allele CA10247983.
Genomic context (GRCh38, chr22:40,365,042, plus strand): 5'-TACTTCAGTCCCATTCACTCCCAGTTGGATCATTTACTGGATCCTTCTTCTTTCACTGGT[C>G]GTGCCTCCCAGCAGGTAAGCTTCCAAGAAGCCTCTTTTCTGCTGGGCTGCAGAACCTGGG-3'
Protein context (NP_000017.1, residues 442-462): HLLDPSSFTG[Arg452Gly]ASQQVQRFLE

ClinVar aggregate classification (germline): Conflicting classifications of pathogenicity. Review status: criteria provided, conflicting classifications (1 of 4 stars). 2 submissions from 2 submitters: Likely pathogenic (1); Uncertain significance (1). Last evaluated 2024-04-12.

Conditions:
Adenylosuccinate lyase deficiency (ADSLD). Also called: ADSL DEFICIENCY. Identifiers: Orphanet 46, MedGen C0268126, MONDO:0007068, OMIM 103050.

Allele frequency attached by ClinVar (database versions not stated): ExAC 0.00001; gnomAD 0.00001.
gnomAD v4.1: 5 of 1,613,738 alleles (0.00031%); highest among the groups gnomAD compares: Admixed American, 0.0017%; no homozygotes.

Submissions (2):

Labcorp Genetics (formerly Invitae), Labcorp
Classification: Likely pathogenic for Adenylosuccinate lyase deficiency. Last evaluated: 2024-04-12. Review status: criteria provided, single submitter. Criteria: Invitae Variant Classification Sherloc (09022015). Collection method: clinical testing. Allele origin: germline.
Comment: This sequence change replaces arginine, which is basic and polar, with glycine, which is neutral and non-polar, at codon 452 of the ADSL protein (p.Arg452Gly). This variant is present in population databases (rs572438339, gnomAD 0.004%). This variant has not been reported in the literature in individuals affected with ADSL-related conditions. ClinVar contains an entry for this variant (Variation ID: 2086298). Advanced modeling of protein sequence and biophysical properties (such as structural, functional, and spatial information, amino acid conservation, physicochemical variation, residue mobility, and thermodynamic stability) performed at Invitae indicates that this missense variant is expected to disrupt ADSL protein function with a positive predictive value of 80%. This variant disrupts the p.Arg452 amino acid residue in ADSL. Other variant(s) that disrupt this residue have been determined to be pathogenic (PMID: 12368987). This suggests that this residue is clinically significant, and that variants that disrupt this residue are likely to be disease-causing. In summary, the currently available evidence indicates that the variant is pathogenic, but additional data are needed to prove that conclusively. Therefore, this variant has been classified as Likely Pathogenic.

Blueprint Genetics
Classification: Uncertain significance. Last evaluated: 2024-03-05. Review status: criteria provided, single submitter. Criteria: ACMG Guidelines, 2015. Collection method: clinical testing. Allele origin: germline.

Literature cited by the submitters: PubMed 12368987 (cited by Labcorp Genetics (formerly Invitae), Labcorp).